The following is an entry in ClinVar:

NM_024490.4(ATP10A):c.4191G>A (p.Ala1397=)

Gene: ATP10A (ATPase phospholipid transporting 10A (putative); minus strand). Cytogenetic location: 15q12.
Variant type: single nucleotide variant.
Coding change: c.4191G>A on transcript NM_024490.4 (MANE Select); coding-DNA position 4191, G replaced by A.
Protein change: p.Ala1397=; no amino-acid change (alanine 1397 retained).
Molecular consequence: synonymous variant.
Genome position (GRCh38, 1-based): chr15:25,679,650, C>T on the plus strand (G>A on the coding strand, the complement: ATP10A is on the minus strand). VCF-style: chr15-25679650-C-T. GRCh37 (hg19) VCF-style: chr15-25924797-C-T.
Identifiers: ClinVar variation 3052219 (VCV003052219.2), dbSNP rs139877863, ClinGen allele CA7435859.

ClinVar aggregate classification (germline): Likely benign (0 of 4 stars; one submission).

Conditions:
ATP10A-related disorder. Also called: ATP10A-related condition.

Allele frequency attached by ClinVar (database versions not stated): ExAC 0.00003; gnomAD 0.00003; TOPMed 0.00006; ESP Exome Variant Server 0.00015.
gnomAD v4.1: 97 of 1,613,184 alleles (0.006%); highest among the groups gnomAD compares: Non-Finnish European, 0.0071%; no homozygotes.

Submission:

PreventionGenetics, part of Exact Sciences
Classification: Likely benign for ATP10A-related condition. Last evaluated: 2020-02-04. Review status: no assertion criteria provided. Collection method: clinical testing. Allele origin: germline.
Comment: This variant is classified as likely benign based on ACMG/AMP sequence variant interpretation guidelines (Richards et al. 2015 PMID: 25741868, with internal and published modifications).